The following is an entry in ClinVar:

NM_205861.3(DHDDS):c.*1886C>T

Gene: DHDDS (dehydrodolichyl diphosphate synthase subunit; plus strand). Cytogenetic location: 1p36.11.
Variant type: single nucleotide variant.
Coding change: c.*1886C>T on transcript NM_205861.3 (MANE Select); 1886 bases downstream of the stop codon, C replaced by T.
Molecular consequence: 3 prime UTR variant.
Genome position (GRCh38, 1-based): chr1:26,471,017, C>T. VCF-style: chr1-26471017-C-T. GRCh37 (hg19) VCF-style: chr1-26797508-C-T.
Other names: c.*1886C>T (NM_001243564.2, NM_001243565.2, NM_001319959.2 and 1 more transcripts).
Identifiers: ClinVar variation 297104 (VCV000297104.6), dbSNP rs2290588, ClinGen allele CA10610047.

ClinVar aggregate classification (germline): Benign. Review status: criteria provided, multiple submitters, no conflicts (2 of 4 stars). 2 submissions from 2 submitters: Benign (2). Last evaluated 2018-01-13.

Conditions:
Retinitis pigmentosa (RP). Identifiers: Orphanet 791, MedGen C0035334, MeSH D012174, MONDO:0019200, OMIM 268000. Inheritance: Autosomal dominant, autosomal recessive and X linked inheritance.

Allele frequency attached by ClinVar (database versions not stated): gnomAD exomes 0.18548; gnomAD 0.30150 and 0.31005; TOPMed 0.31942; 1000 Genomes Project 30x 0.44675; 1000 Genomes Project 0.45507.
gnomAD v4.1: 47,096 of 152,110 alleles (31%); highest among the groups gnomAD compares: East Asian, 72%; 8,613 homozygotes.

Submissions (2):

Illumina Laboratory Services, Illumina
Classification: Benign for Retinitis pigmentosa. Last evaluated: 2018-01-13. Review status: criteria provided, single submitter. Criteria: ICSL Variant Classification Criteria 13 December 2019. Collection method: clinical testing. Allele origin: germline.
Comment: This variant was observed in the ICSL laboratory as part of a predisposition screen in an ostensibly healthy population. It had not been previously curated by ICSL or reported in the Human Gene Mutation Database (HGMD: prior to June 1st, 2018), and was therefore a candidate for classification through an automated scoring system. Utilizing variant allele frequency, disease prevalence and penetrance estimates, and inheritance mode, an automated score was calculated to assess if this variant is too frequent to cause the disease. Based on the score and internal cut-off values, a variant classified as benign is not then subjected to further curation. The score for this variant resulted in a classification of benign for this disease.

Breakthrough Genomics
Classification: Benign. Review status: criteria provided, single submitter. Criteria: ACMG Guidelines, 2015. Collection method: not provided. Allele origin: germline. Inheritance: Autosomal recessive inheritance. Affected: yes.